The following is an entry in ClinVar:

NM_053025.4(MYLK):c.404T>C (p.Val135Ala)

Gene: MYLK (myosin light chain kinase; minus strand). Cytogenetic location: 3q21.1.
Variant type: single nucleotide variant.
Coding change: c.404T>C on transcript NM_053025.4 (MANE Select); coding-DNA position 404, T replaced by C.
Protein change: p.Val135Ala; replaces valine 135 with alanine.
Molecular consequence: missense variant. On other transcripts: 5 prime UTR variant (1).
Genome position (GRCh38, 1-based): chr3:123,739,971, A>G on the plus strand (T>C on the coding strand, the complement: MYLK is on the minus strand). VCF-style: chr3-123739971-A-G. GRCh37 (hg19) VCF-style: chr3-123458818-A-G.
Other names: c.404T>C (NM_053025.3); c.-125T>C (NM_001321309.2); c.404T>C, p.Val135Ala (NM_053026.4, NM_053027.4, NM_053028.4); short protein forms V135A.
Identifiers: ClinVar variation 2891237 (VCV002891237.4), dbSNP rs2108820532, ClinGen allele CA354242124.
Genomic context (GRCh38, chr3:123,739,971, plus strand): 5'-AGCAATCCAACCCTTACTCTGTCTTGAACATCCAGGACTTACCCTAAGGTTTTGGAAACA[A>G]CAGGCTGACCAAGCTGCTTCGCAAAACTTCCTGCAAGAAAAAGAGTTGATGAGTCAGGTC-3'
Protein context (NP_444253.3, residues 125-145): GSFAKQLGQP[Val135Ala]VSKTLGDRFS

ClinVar aggregate classification (germline): Uncertain significance. Review status: criteria provided, multiple submitters, no conflicts (2 of 4 stars). 2 submissions from 2 submitters: Uncertain significance (2). Last evaluated 2025-06-27.

Conditions:
Aortic aneurysm, familial thoracic 7 (AAT7). Also called: AORTIC DISSECTION, FAMILIAL, WITH OR WITHOUT AORTIC ANEURYSM. Identifiers: MedGen C3151077, MONDO:0013418, OMIM 613780.

Submissions (2):

GeneDx
Classification: Uncertain significance. Last evaluated: 2025-06-27. Review status: criteria provided, single submitter. Criteria: GeneDx Variant Classification Process June 2021. Collection method: clinical testing. Allele origin: germline. Affected: yes.
Comment: Has not been previously published as pathogenic or benign to our knowledge; Not observed at significant frequency in large population cohorts (gnomAD); In silico analysis suggests that this missense variant does not alter protein structure/function

Labcorp Genetics (formerly Invitae), Labcorp
Classification: Uncertain significance for Aortic aneurysm, familial thoracic 7. Last evaluated: 2025-03-25. Review status: criteria provided, single submitter. Criteria: Invitae Variant Classification Sherloc (09022015). Collection method: clinical testing. Allele origin: germline.
Comment: This sequence change replaces valine, which is neutral and non-polar, with alanine, which is neutral and non-polar, at codon 135 of the MYLK protein (p.Val135Ala). This variant is not present in population databases (gnomAD no frequency). This variant has not been reported in the literature in individuals affected with MYLK-related conditions. ClinVar contains an entry for this variant (Variation ID: 2891237). Invitae Evidence Modeling of protein sequence and biophysical properties (such as structural, functional, and spatial information, amino acid conservation, physicochemical variation, residue mobility, and thermodynamic stability) indicates that this missense variant is not expected to disrupt MYLK protein function with a negative predictive value of 95%. In summary, the available evidence is currently insufficient to determine the role of this variant in disease. Therefore, it has been classified as a Variant of Uncertain Significance.